The following is an entry in ClinVar:

NC_000019.9:g.(?_41925030)_(41925211_?)del

Gene: BCKDHA (branched chain keto acid dehydrogenase E1 subunit alpha; plus strand). Cytogenetic location: 19q13.2.
Variant type: Deletion.
Identifiers: ClinVar variation 1068006 (VCV001068006.7).

ClinVar aggregate classification (germline): Likely pathogenic (1 of 4 stars; one submission).

Conditions:
Maple syrup urine disease (MSUD). Identifiers: Orphanet 511, MedGen C0024776, MeSH D008375, MONDO:0009563. Disease mechanism: loss of function.

Submission:

Labcorp Genetics (formerly Invitae), Labcorp
Classification: Likely pathogenic for Maple syrup urine disease. Last evaluated: 2020-08-27. Review status: criteria provided, single submitter. Criteria: Invitae Variant Classification Sherloc (09022015). Collection method: clinical testing. Allele origin: germline.
Comment: In summary, the currently available evidence indicates that the variant is pathogenic, but additional data are needed to prove that conclusively. Therefore, this variant has been classified as Likely Pathogenic. This variant disrupts the p.Thr211 amino acid residue in BCKDHA. Other variant(s) that disrupt this residue have been determined to be pathogenic (PMID: 10745006, 19715473, 21844576). This suggests that this residue is clinically significant, and that variants that disrupt this residue are likely to be disease-causing. This variant has not been reported in the literature in individuals with BCKDHA-related conditions. This variant is an in-frame deletion of the genomic region encompassing exon(s) 5 of the BCKDHA gene. It preserves the integrity of the reading frame.

Literature cited by the submitters: PubMed 10745006; PubMed 19715473; PubMed 21844576.